The following is an entry in ClinVar:

NM_001267550.2(TTN):c.80397T>G (p.Leu26799=)

Genes: TTN (titin; minus strand), TTN-AS1 (TTN antisense RNA 1; plus strand). Cytogenetic location: 2q31.2.
Variant type: single nucleotide variant.
Coding change: c.80397T>G on transcript NM_001267550.2 (MANE Select); coding-DNA position 80397, T replaced by G.
Protein change: p.Leu26799=; no amino-acid change (leucine 26799 retained).
Molecular consequence: synonymous variant.
Genome position (GRCh38, 1-based): chr2:178,565,735, A>C on the plus strand (T>G on the coding strand, the complement: TTN is on the minus strand). VCF-style: chr2-178565735-A-C. GRCh37 (hg19) VCF-style: chr2-179430462-A-C.
Other names: c.75474T>G, p.Leu25158= (NM_001256850.1); c.53202T>G, p.Leu17734= (NM_003319.4); c.72693T>G, p.Leu24231= (NM_133378.4); c.53577T>G, p.Leu17859= (NM_133432.3); c.53778T>G, p.Leu17926= (NM_133437.4).
Identifiers: ClinVar variation 3907643 (VCV003907643.1).

ClinVar aggregate classification (germline): Likely benign (1 of 4 stars; one submission).

Submission:

Women's Health and Genetics/Laboratory Corporation of America, LabCorp
Classification: Likely benign. Last evaluated: 2025-06-19. Review status: criteria provided, single submitter. Criteria: LabCorp Variant Classification Summary - May 2015. Collection method: clinical testing. Allele origin: germline.
Comment: Variant summary: TTN c.72693T>G alters a conserved nucleotide resulting in a synonymous change. Consensus agreement among computation tools predict no significant impact on normal splicing. However, these predictions have yet to be confirmed by functional studies. The variant was absent in 248260 control chromosomes. The available data on variant occurrences in the general population are insufficient to allow any conclusion about variant significance. To our knowledge, no occurrence of c.72693T>G in individuals affected with Autosomal Recessive Titinopathy and no experimental evidence demonstrating its impact on protein function have been reported. No submitters have cited clinical-significance assessments for this variant to ClinVar. Based on the evidence outlined above, the variant was classified as likely benign.